The following is an entry in ClinVar:

NM_005477.3(HCN4):c.2563T>C (p.Ser855Pro)

Gene: HCN4 (hyperpolarization activated cyclic nucleotide gated potassium channel 4; minus strand). Cytogenetic location: 15q24.1.
Variant type: single nucleotide variant.
Coding change: c.2563T>C on transcript NM_005477.3 (MANE Select); coding-DNA position 2563, T replaced by C.
Protein change: p.Ser855Pro; replaces serine 855 with proline.
Molecular consequence: missense variant.
Genome position (GRCh38, 1-based): chr15:73,323,530, A>G on the plus strand (T>C on the coding strand, the complement: HCN4 is on the minus strand). VCF-style: chr15-73323530-A-G. GRCh37 (hg19) VCF-style: chr15-73615871-A-G.
Other names: c.2563T>C (NM_005477.2); short protein forms S855P.
Identifiers: ClinVar variation 1433354 (VCV001433354.9), dbSNP rs779963031, ClinGen allele CA7648999.

ClinVar aggregate classification (germline): Uncertain significance. Review status: criteria provided, multiple submitters, no conflicts (2 of 4 stars). 2 submissions from 2 submitters: Uncertain significance (2). Last evaluated 2025-06-09.

Conditions:
Cardiovascular phenotype. Identifiers: MedGen CN230736.
Brugada syndrome 8 (BRGDA8). Identifiers: Orphanet 130, MedGen C2751083, MONDO:0013148, OMIM 613123.

Allele frequency attached by ClinVar (database versions not stated): gnomAD exomes below 0.00001 and 0.00001; TOPMed below 0.00001; ExAC 0.00001; gnomAD 0.00001.
gnomAD v4.1: 10 of 1,601,034 alleles (0.00062%); highest among the groups gnomAD compares: South Asian, 0.0033%; no homozygotes.

Submissions (2):

Labcorp Genetics (formerly Invitae), Labcorp
Classification: Uncertain significance for Brugada syndrome 8. Last evaluated: 2025-06-09. Review status: criteria provided, single submitter. Criteria: Invitae Variant Classification Sherloc (09022015). Collection method: clinical testing. Allele origin: germline.
Comment: This sequence change replaces serine, which is neutral and polar, with proline, which is neutral and non-polar, at codon 855 of the HCN4 protein (p.Ser855Pro). This variant is present in population databases (rs779963031, gnomAD 0.007%). This variant has not been reported in the literature in individuals affected with HCN4-related conditions. ClinVar contains an entry for this variant (Variation ID: 1433354). Invitae Evidence Modeling of protein sequence and biophysical properties (such as structural, functional, and spatial information, amino acid conservation, physicochemical variation, residue mobility, and thermodynamic stability) indicates that this missense variant is not expected to disrupt HCN4 protein function with a negative predictive value of 95%. In summary, the available evidence is currently insufficient to determine the role of this variant in disease. Therefore, it has been classified as a Variant of Uncertain Significance.

Ambry Genetics
Classification: Uncertain significance for Cardiovascular phenotype. Last evaluated: 2024-09-17. Review status: criteria provided, single submitter. Criteria: Ambry Variant Classification Scheme 2023. Collection method: clinical testing. Allele origin: germline.
Comment: The p.S855P variant (also known as c.2563T>C), located in coding exon 8 of the HCN4 gene, results from a T to C substitution at nucleotide position 2563. The serine at codon 855 is replaced by proline, an amino acid with similar properties. This amino acid position is conserved. In addition, this alteration is predicted to be tolerated by in silico analysis. Based on the available evidence, the clinical significance of this variant remains unclear.